The following is an entry in ClinVar:

ClinVar aggregate classification (germline): Uncertain significance. Review status: criteria provided, multiple submitters, no conflicts (2 of 4 stars). 3 submissions from 3 submitters: Uncertain significance (3). Last evaluated 2023-03-21.

Conditions:
Inborn genetic diseases. Identifiers: MedGen C0950123, MeSH D030342.

Allele frequency attached by ClinVar (database versions not stated): gnomAD 0.00001; gnomAD exomes 0.00001; TOPMed 0.00002.

Submissions (3):

Ambry Genetics
Classification: Uncertain significance for Inborn genetic diseases. Last evaluated: 2023-03-21. Review status: criteria provided, single submitter. Criteria: Ambry Variant Classification Scheme 2023. Collection method: clinical testing. Allele origin: germline.

Revvity Omics, Revvity
Classification: Uncertain significance. Last evaluated: 2022-02-15. Review status: criteria provided, single submitter. Criteria: ACMG Guidelines, 2015. Collection method: clinical testing. Allele origin: germline.

GeneDx
Classification: Uncertain significance. Last evaluated: 2017-03-30. Review status: criteria provided, single submitter. Criteria: GeneDx Variant Classification (06012015). Collection method: clinical testing. Allele origin: germline. Affected: yes.
Comment: The R807Q variant in the PIEZO1 gene has not been reported previously as a pathogenic variant, nor as a benign variant, to our knowledge. The R807Q variant is not observed in large population cohorts (Lek et al., 2016; 1000 Genomes Consortium et al., 2015; Exome Variant Server). The R807Q variant is a semi-conservative amino acid substitution, which may impact secondary protein structure as these residues differ in some properties. This substitution occurs at a position that is not conserved. In silico analysis is inconsistent in its predictions as to whether or not the variant is damaging to the protein structure/function. We interpret R807Q as a variant of uncertain significance.

NM_001142864.4(PIEZO1):c.2420G>A (p.Arg807Gln)

Genes: HSALR1 (HSP90AB1 associated lncRNA 1; plus strand), PIEZO1 (piezo type mechanosensitive ion channel component 1 (Er blood group); minus strand). Cytogenetic location: 16q24.3.
Variant type: single nucleotide variant.
Coding change: c.2420G>A on transcript NM_001142864.4 (MANE Select); coding-DNA position 2420, G replaced by A.
Protein change: p.Arg807Gln; replaces arginine 807 with glutamine.
Molecular consequence: missense variant.
Genome position (GRCh38, 1-based): chr16:88,733,655, C>T on the plus strand (G>A on the coding strand, the complement: PIEZO1 is on the minus strand). VCF-style: chr16-88733655-C-T. GRCh37 (hg19) VCF-style: chr16-88800063-C-T.
Other names: c.2420G>A, p.Arg807Gln (LRG_1137t1); short protein forms R807Q.
Identifiers: ClinVar variation 424596 (VCV000424596.7), dbSNP rs1064797061, ClinGen allele CA16620294.